The following is an entry in ClinVar:

ClinVar aggregate classification (germline): Pathogenic (1 of 4 stars; one submission).

Conditions:
Spastic paraplegia. Identifiers: MedGen C0037772, HP:0001258.

Submission:

Labcorp Genetics (formerly Invitae), Labcorp
Classification: Pathogenic for Spastic paraplegia. Last evaluated: 2020-06-30. Review status: criteria provided, single submitter. Criteria: Invitae Variant Classification Sherloc (09022015). Collection method: clinical testing. Allele origin: germline.
Comment: For these reasons, this variant has been classified as Pathogenic. This variant disrupts the C-terminus of the SACS protein. Other variant(s) that disrupt this region (p.Asn4549Asp, p.Glu4510Argfs*4) have been determined to be pathogenic (PMID: 21507954, 15156359, 29915382). This suggests that variants that disrupt this region of the protein are likely to be causative of disease. This variant has not been reported in the literature in individuals with SACS-related conditions. This variant is not present in population databases (ExAC no frequency). This sequence change results in a premature translational stop signal in the SACS gene (p.Cys2100*). While this is not anticipated to result in nonsense mediated decay, it is expected to disrupt the last 2,480 amino acids of the SACS protein.

Literature cited by the submitters: PubMed 21507954; PubMed 15156359; PubMed 29915382.

NM_014363.6(SACS):c.6300T>A (p.Cys2100Ter)

Gene: SACS (sacsin molecular chaperone; minus strand). Cytogenetic location: 13q12.12.
Variant type: single nucleotide variant.
Coding change: c.6300T>A on transcript NM_014363.6 (MANE Select); coding-DNA position 6300, T replaced by A.
Protein change: p.Cys2100Ter; replaces cysteine 2100 with a stop codon.
Molecular consequence: nonsense.
Genome position (GRCh38, 1-based): chr13:23,337,576, A>T on the plus strand (T>A on the coding strand, the complement: SACS is on the minus strand). VCF-style: chr13-23337576-A-T. GRCh37 (hg19) VCF-style: chr13-23911715-A-T.
Other names: c.5859T>A, p.Cys1953Ter (NM_001278055.2); short protein forms C1953*, C2100*.
Identifiers: ClinVar variation 1070558 (VCV001070558.9), dbSNP rs2137610914, ClinGen allele CA387523459.
Genomic context (GRCh38, chr13:23,337,576, plus strand): 5'-AACTCGTCCTTCGGGGTGGATCAATCTTGATGGCAAAACCAAAGGATGCCCCTCCAAGGA[A>T]CAAGGAATACATGGAGTAACACGAAGAACTCCCGAGAACTCATCAACTTTTTCATTTAGA-3'